The following is an entry in ClinVar:

NM_052876.4(NACC1):c.1120+4G>T

Gene: NACC1 (nucleus accumbens associated 1; plus strand). Cytogenetic location: 19p13.13.
Variant type: single nucleotide variant.
Coding change: c.1120+4G>T on transcript NM_052876.4 (MANE Select); 4 bases into the intron after coding-DNA position 1120, G replaced by T.
Molecular consequence: intron variant.
Genome position (GRCh38, 1-based): chr19:13,136,409, G>T. VCF-style: chr19-13136409-G-T. GRCh37 (hg19) VCF-style: chr19-13247223-G-T.
Identifiers: ClinVar variation 2033468 (VCV002033468.4), dbSNP rs2019707809, ClinGen allele CA2323741844.

ClinVar aggregate classification (germline): Uncertain significance (1 of 4 stars; one submission).

Allele frequency attached by ClinVar (database versions not stated): TOPMed below 0.00001.

Submission:

Labcorp Genetics (formerly Invitae), Labcorp
Classification: Uncertain significance. Last evaluated: 2022-09-30. Review status: criteria provided, single submitter. Criteria: Invitae Variant Classification Sherloc (09022015). Collection method: clinical testing. Allele origin: germline.
Comment: In summary, the available evidence is currently insufficient to determine the role of this variant in disease. Therefore, it has been classified as a Variant of Uncertain Significance. Variants that disrupt the consensus splice site are a relatively common cause of aberrant splicing (PMID: 17576681, 9536098). Algorithms developed to predict the effect of sequence changes on RNA splicing suggest that this variant is not likely to affect RNA splicing. This variant has not been reported in the literature in individuals affected with NACC1-related conditions. This variant is not present in population databases (gnomAD no frequency). This sequence change falls in intron 3 of the NACC1 gene. It does not directly change the encoded amino acid sequence of the NACC1 protein. It affects a nucleotide within the consensus splice site.

Literature cited by the submitters: PubMed 17576681; PubMed 9536098.